The following is an entry in ClinVar:

ClinVar aggregate classification (germline): Likely pathogenic (1 of 4 stars; one submission).

Conditions:
Waardenburg syndrome type 1 (WS1). Also called: WAARDENBURG SYNDROME WITH DYSTOPIA CANTHORUM; Waardenburg Syndrome Type I. Identifiers: Orphanet 894, MedGen C1847800, MONDO:0008670, OMIM 193500.

gnomAD v4.1: 1 of 1,613,884 alleles (0.000062%); highest among the groups gnomAD compares: South Asian, 0.0011%; no homozygotes.

Submission:

Institute of Rare Diseases, West China Hospital, Sichuan University
Classification: Likely pathogenic for Waardenburg syndrome type 1. Last evaluated: 2025-01-09. Review status: criteria provided, single submitter. Criteria: ClinGen HL ACMG Specifications v1. Collection method: research. Allele origin: germline. Affected: yes.
Comment: PM1;PP1;PP4;PM2_Supporting;PP3

NM_181458.4(PAX3):c.196G>C (p.Gly66Arg)

Gene: PAX3 (paired box 3; minus strand). Cytogenetic location: 2q36.1.
Variant type: single nucleotide variant.
Coding change: c.196G>C on transcript NM_181458.4 (MANE Select); coding-DNA position 196, G replaced by C.
Protein change: p.Gly66Arg; replaces glycine 66 with arginine.
Molecular consequence: missense variant.
Genome position (GRCh38, 1-based): chr2:222,297,103, C>G on the plus strand (G>C on the coding strand, the complement: PAX3 is on the minus strand). VCF-style: chr2-222297103-C-G. GRCh37 (hg19) VCF-style: chr2-223161822-C-G.
Other names: c.196G>C, p.Gly66Arg (NM_181457.4, NM_181459.4, NM_181460.4 and 4 more transcripts); short protein forms G66R.
Identifiers: ClinVar variation 3601572 (VCV003601572.1).